The following is an entry in ClinVar:

ClinVar aggregate classification (germline): Conflicting classifications of pathogenicity. Review status: criteria provided, conflicting classifications (1 of 4 stars). 2 submissions from 2 submitters: Uncertain significance (1); Likely benign (1). Last evaluated 2023-03-23.

Conditions:
Hereditary breast ovarian cancer syndrome. Also called: Hereditary breast and ovarian cancer syndrome; BRCA1- and BRCA2-Associated Hereditary Breast and Ovarian Cancer; Hereditary breast and ovarian cancer; Hereditary breast and ovarian cancer syndrome (HBOC); Breast and ovarian cancer; Hereditary breast and/or ovarian cancer syndrome. Identifiers: Orphanet 145, MedGen C0677776, MeSH D061325, MONDO:0003582. Disease mechanism: loss of function.
Hereditary cancer-predisposing syndrome. Also called: Hereditary neoplastic syndrome; Neoplastic Syndromes, Hereditary; Hereditary Cancer Syndrome; Tumor predisposition. Identifiers: Orphanet 140162, MedGen C0027672, MeSH D009386, MONDO:0015356.

Submissions (2):

University of Washington Department of Laboratory Medicine, University of Washington
Classification: Likely benign for Hereditary cancer-predisposing syndrome. Last evaluated: 2023-03-23. Review status: criteria provided, single submitter. Criteria: Dines et al. (Genet Med. 2020). Collection method: curation. Allele origin: germline.
Comment: Missense variant in a coldspot region where missense variants are very unlikely to be pathogenic (PMID:31911673).

BRCA1 coldspot (exon 11 using historical exon numbering). Reclassification based on statistical prior probability

Labcorp Genetics (formerly Invitae), Labcorp
Classification: Uncertain significance for Hereditary breast ovarian cancer syndrome. Last evaluated: 2022-02-10. Review status: criteria provided, single submitter. Criteria: Invitae Variant Classification Sherloc (09022015). Collection method: clinical testing. Allele origin: germline.
Comment: In summary, the available evidence is currently insufficient to determine the role of this variant in disease. Therefore, it has been classified as a Variant of Uncertain Significance. Advanced modeling of protein sequence and biophysical properties (such as structural, functional, and spatial information, amino acid conservation, physicochemical variation, residue mobility, and thermodynamic stability) performed at Invitae indicates that this missense variant is not expected to disrupt BRCA1 protein function. This missense change has been observed in individual(s) with breast and/or ovarian cancer (PMID: 11044644). This variant is not present in population databases (gnomAD no frequency). This sequence change replaces serine, which is neutral and polar, with glycine, which is neutral and non-polar, at codon 694 of the BRCA1 protein (p.Ser694Gly).

Literature cited by the submitters: PubMed 11044644 (cited by Labcorp Genetics (formerly Invitae), Labcorp).

NM_007294.4(BRCA1):c.2080A>G (p.Ser694Gly)

Gene: BRCA1 (BRCA1 DNA repair associated; minus strand). Cytogenetic location: 17q21.31.
Variant type: single nucleotide variant.
Coding change: c.2080A>G on transcript NM_007294.4 (MANE Select); coding-DNA position 2080, A replaced by G.
Protein change: p.Ser694Gly; replaces serine 694 with glycine.
Molecular consequence: missense variant. On other transcripts: intron variant (137).
Genome position (GRCh38, 1-based): chr17:43,093,451, T>C on the plus strand (A>G on the coding strand, the complement: BRCA1 is on the minus strand). VCF-style: chr17-43093451-T-C. GRCh37 (hg19) VCF-style: chr17-41245468-T-C.
Other names: c.1939A>G, p.Ser647Gly (NM_001407694.1, NM_001407695.1, NM_001407696.1 and 29 more transcripts); c.1954A>G, p.Ser652Gly (NM_001407687.1, NM_001407688.1, NM_001407689.1 and 11 more transcripts); c.1936A>G, p.Ser646Gly (NM_001407740.1, NM_001407741.1, NM_001407742.1 and 20 more transcripts); c.1867A>G, p.Ser623Gly (NM_001407853.1, NM_001407894.1, NM_001407895.1 and 9 more transcripts); c.2080A>G, p.Ser694Gly (NM_001407854.1, NM_001407858.1, NM_001407859.1 and 30 more transcripts); c.2077A>G, p.Ser693Gly (NM_001407860.1, NM_001407861.1, NM_001407587.1 and 22 more transcripts); c.1879A>G, p.Ser627Gly (NM_001407862.1); c.1957A>G, p.Ser653Gly (NM_001407863.1, NM_001407919.1, NM_001407937.1 and 19 more transcripts); and 40 more; short protein forms S567G, S582G, S605G, S627G, S652G, S398G, S566G, S667G.
Identifiers: ClinVar variation 2193246 (VCV002193246.6), dbSNP rs2154400472, ClinGen allele CA10597842.